The following is an entry in ClinVar:

ClinVar aggregate classification (germline): Uncertain significance. Review status: criteria provided, multiple submitters, no conflicts (2 of 4 stars). 4 submissions from 4 submitters: Uncertain significance (4). Last evaluated 2026-05-27.

Conditions:
Charcot-Marie-Tooth disease dominant intermediate C (CMTDIC). Also called: CHARCOT-MARIE-TOOTH NEUROPATHY, DOMINANT INTERMEDIATE C. Identifiers: Orphanet 100045, MedGen C1842237, MONDO:0012012, OMIM 608323.
Neurologic, endocrine, and pancreatic disease, multisystem, infantile-onset 2 (IMNEPD2). Also called: YARS1 Deficiency. Identifiers: MedGen C5543623, MONDO:0030375, OMIM 619418.
Inborn genetic diseases. Identifiers: MedGen C0950123, MeSH D030342.

Allele frequency attached by ClinVar (database versions not stated): gnomAD exomes below 0.00001.
gnomAD v4.1: 6 of 1,614,190 alleles (0.00037%); highest among the groups gnomAD compares: Admixed American, 0.0017%; no homozygotes.

Submissions (4):

Women's Health and Genetics/Laboratory Corporation of America, LabCorp
Classification: Uncertain significance. Last evaluated: 2026-05-27. Review status: criteria provided, single submitter. Criteria: LabCorp Variant Classification Summary - May 2015. Collection method: clinical testing. Allele origin: germline.
Comment: Variant summary: YARS1 c.1078C>G (p.Pro360Ala) results in a non-conservative amino acid change in the encoded protein sequence. Algorithms developed to predict the effect of missense changes on protein structure and function are either unavailable or do not agree on the potential impact of this missense change. The variant allele was found at a frequency of 1.2e-05 in 251294 control chromosomes. The available data on variant occurrences in the general population are insufficient to allow any conclusion about variant significance. c.1078C>G has been observed in a high throughput study screening for founder variants in arab population without clear evidence for causality (AlAbdi_2025). These report(s) do not provide unequivocal conclusions about association of the variant with disease. To our knowledge, no experimental evidence demonstrating an impact on protein function has been reported. The following publication have been ascertained in the context of this evaluation (PMID: 39504961). ClinVar contains an entry for this variant (Variation ID: 2139189). Based on the evidence outlined above, the variant was classified as uncertain significance.

Ambry Genetics
Classification: Uncertain significance for Inborn genetic diseases. Last evaluated: 2025-10-22. Review status: criteria provided, single submitter. Criteria: Ambry Variant Classification Scheme 2023. Collection method: clinical testing. Allele origin: germline.

Labcorp Genetics (formerly Invitae), Labcorp
Classification: Uncertain significance for Charcot-Marie-Tooth disease dominant intermediate C. Last evaluated: 2025-07-07. Review status: criteria provided, single submitter. Criteria: Invitae Variant Classification Sherloc (09022015). Collection method: clinical testing. Allele origin: germline.
Comment: This sequence change replaces proline, which is neutral and non-polar, with alanine, which is neutral and non-polar, at codon 360 of the YARS protein (p.Pro360Ala). This variant is present in population databases (no rsID available, gnomAD 0.01%). This variant has not been reported in the literature in individuals affected with YARS-related conditions. ClinVar contains an entry for this variant (Variation ID: 2139189). Invitae Evidence Modeling of protein sequence and biophysical properties (such as structural, functional, and spatial information, amino acid conservation, physicochemical variation, residue mobility, and thermodynamic stability) indicates that this missense variant is not expected to disrupt YARS protein function with a negative predictive value of 80%. In summary, the available evidence is currently insufficient to determine the role of this variant in disease. Therefore, it has been classified as a Variant of Uncertain Significance.

Genomic Medicine Center of Excellence, King Faisal Specialist Hospital and Research Centre
Classification: Uncertain significance for Neurologic, endocrine, and pancreatic disease, multisystem, infantile-onset 2. Last evaluated: 2024-03-25. Review status: criteria provided, single submitter. Criteria: ACMG Guidelines, 2015. Collection method: research. Allele origin: germline.

Literature cited by the submitters: PubMed 39504961 (cited by Women's Health and Genetics/Laboratory Corporation of America, LabCorp).

NM_003680.4(YARS1):c.1078C>G (p.Pro360Ala)

Gene: YARS1 (tyrosyl-tRNA synthetase 1; minus strand). Cytogenetic location: 1p35.1.
Variant type: single nucleotide variant.
Coding change: c.1078C>G on transcript NM_003680.4 (MANE Select); coding-DNA position 1078, C replaced by G.
Protein change: p.Pro360Ala; replaces proline 360 with alanine.
Molecular consequence: missense variant.
Genome position (GRCh38, 1-based): chr1:32,781,110, G>C on the plus strand (C>G on the coding strand, the complement: YARS1 is on the minus strand). VCF-style: chr1-32781110-G-C. GRCh37 (hg19) VCF-style: chr1-33246711-G-C.
Other names: short protein forms P360A.
Identifiers: ClinVar variation 2139189 (VCV002139189.8), dbSNP rs1286292344, ClinGen allele CA339682825.